The following is an entry in ClinVar:

ClinVar aggregate classification (germline): Conflicting classifications of pathogenicity. Review status: criteria provided, conflicting classifications (1 of 4 stars). 2 submissions from 2 submitters: Uncertain significance (1); Likely benign (1). Last evaluated 2025-12-28.

Conditions:
Alpha thalassemia-X-linked intellectual disability syndrome (ATRX). Also called: ALPHA-THALASSEMIA/MENTAL RETARDATION SYNDROME, X-LINKED; ATR, NONDELETION TYPE; X-linked alpha-thalassemia-mental retardation syndrome; ATR-X syndrome; Alpha thalassemia mental retardation syndrome, nondeletion type, X-linked; XLMR hypotonic face syndrome. Identifiers: Orphanet 847, MedGen C1845055, MONDO:0010519, OMIM 301040.

Allele frequency attached by ClinVar (database versions not stated): gnomAD exomes below 0.00001; TOPMed below 0.00001.
gnomAD v4.1: 1 of 1,210,735 alleles (0.000083%); no homozygotes.

Submissions (2):

Labcorp Genetics (formerly Invitae), Labcorp
Classification: Likely benign for Alpha thalassemia-X-linked intellectual disability syndrome. Last evaluated: 2025-12-28. Review status: criteria provided, single submitter. Criteria: Invitae Variant Classification Sherloc (09022015). Collection method: clinical testing. Allele origin: germline.

Greenwood Genetic Center Diagnostic Laboratories, Greenwood Genetic Center
Classification: Uncertain significance. Last evaluated: 2022-05-11. Review status: criteria provided, single submitter. Criteria: ACMG Guidelines, 2015. Collection method: clinical testing. Allele origin: germline. Affected: yes.
Comment: PM2, BP4, PP2

NM_000489.6(ATRX):c.1507C>G (p.Gln503Glu)

Gene: ATRX (ATRX chromatin remodeler; minus strand). Cytogenetic location: Xq21.1.
Variant type: single nucleotide variant.
Coding change: c.1507C>G on transcript NM_000489.6 (MANE Select); coding-DNA position 1507, C replaced by G.
Protein change: p.Gln503Glu; replaces glutamine 503 with glutamic acid.
Molecular consequence: missense variant.
Genome position (GRCh38, 1-based): chrX:77,683,749, G>C on the plus strand (C>G on the coding strand, the complement: ATRX is on the minus strand). VCF-style: chrX-77683749-G-C. GRCh37 (hg19) VCF-style: chrX-76939241-G-C.
Other names: c.1393C>G, p.Gln465Glu (NM_138270.5); short protein forms Q465E, Q503E.
Identifiers: ClinVar variation 1703056 (VCV001703056.4), dbSNP rs1340830235, ClinGen allele CA413717700.